The following is an entry in ClinVar:

ClinVar aggregate classification (germline): Uncertain significance (1 of 4 stars; one submission).

Conditions:
ALG11-congenital disorder of glycosylation. Also called: CONGENITAL DISORDER OF GLYCOSYLATION, TYPE Ip; ALG11-CDG. Identifiers: Orphanet 280071, MedGen C3150913, MONDO:0013349, OMIM 613661.

Allele frequency attached by ClinVar (database versions not stated): TOPMed 0.00002; gnomAD 0.00003; gnomAD exomes 0.00003 and 0.00010; ExAC 0.00006; ESP Exome Variant Server 0.00008; 1000 Genomes Project 30x 0.00016; 1000 Genomes Project 0.00020.
gnomAD v4.1: 43 of 1,614,050 alleles (0.0027%); highest among the groups gnomAD compares: East Asian, 0.089%; 1 homozygote.

Submission:

Labcorp Genetics (formerly Invitae), Labcorp
Classification: Uncertain significance for ALG11-congenital disorder of glycosylation. Last evaluated: 2024-11-18. Review status: criteria provided, single submitter. Criteria: Invitae Variant Classification Sherloc (09022015). Collection method: clinical testing. Allele origin: germline.
Comment: This sequence change replaces isoleucine, which is neutral and non-polar, with valine, which is neutral and non-polar, at codon 42 of the ALG11 protein (p.Ile42Val). This variant is present in population databases (rs201067230, gnomAD 0.1%). This variant has not been reported in the literature in individuals affected with ALG11-related conditions. ClinVar contains an entry for this variant (Variation ID: 1347395). An algorithm developed to predict the effect of missense changes on protein structure and function outputs the following: PolyPhen-2: "Benign". The valine amino acid residue is found in multiple mammalian species, which suggests that this missense change does not adversely affect protein function. In summary, the available evidence is currently insufficient to determine the role of this variant in disease. Therefore, it has been classified as a Variant of Uncertain Significance.

NM_001004127.3(ALG11):c.124A>G (p.Ile42Val)

Gene: ALG11 (ALG11 alpha-1,2-mannosyltransferase; plus strand). Cytogenetic location: 13q14.3.
Variant type: single nucleotide variant.
Coding change: c.124A>G on transcript NM_001004127.3 (MANE Select); coding-DNA position 124, A replaced by G.
Protein change: p.Ile42Val; replaces isoleucine 42 with valine.
Molecular consequence: missense variant.
Genome position (GRCh38, 1-based): chr13:52,018,992, A>G. VCF-style: chr13-52018992-A-G. GRCh37 (hg19) VCF-style: chr13-52593128-A-G.
Other names: short protein forms I42V.
Identifiers: ClinVar variation 1347395 (VCV001347395.8), dbSNP rs201067230, ClinGen allele CA6989831.